The following is an entry in ClinVar:

NM_007294.4(BRCA1):c.5193+29G>T

Gene: BRCA1 (BRCA1 DNA repair associated; minus strand). Cytogenetic location: 17q21.31.
Variant type: single nucleotide variant.
Coding change: c.5193+29G>T on transcript NM_007294.4 (MANE Select); 29 bases into the intron after coding-DNA position 5193, G replaced by T.
Molecular consequence: intron variant.
Genome position (GRCh38, 1-based): chr17:43,063,304, C>A on the plus strand (G>T on the coding strand, the complement: BRCA1 is on the minus strand). VCF-style: chr17-43063304-C-A. GRCh37 (hg19) VCF-style: chr17-41215321-C-A.
Other names: c.5133+29G>T (NM_001407649.1); c.1878+29G>T (NM_001408401.1, NM_001408396.1, NM_001408404.1 and 8 more transcripts); c.1881+29G>T (NM_001407985.1, NM_001408472.1, NM_001407990.1 and 12 more transcripts); c.5184+29G>T (NM_001407644.1, NM_001407645.1); c.5187+29G>T (NM_001407627.1, NM_001407861.1, NM_001407635.1 and 14 more transcripts); c.5190+29G>T (NM_001407614.1, NM_001407626.1, NM_001407617.1 and 17 more transcripts); c.5256+29G>T (NM_001407587.1, NM_001407585.1, NM_007300.4 and 1 more transcripts); c.1644+29G>T (NM_001408494.1); and 72 more.
Identifiers: ClinVar variation 867492 (VCV000867492.3), dbSNP rs1239995634, ClinGen allele CA916079976.

Conditions:
Breast-ovarian cancer, familial, susceptibility to, 1 (BROVCA1). Also called: BRCA1 Hereditary Breast and Ovarian Cancer; OVARIAN CANCER, SUSCEPTIBILITY TO. Identifiers: Orphanet 145, MedGen C2676676, MONDO:0011450, OMIM 604370. Disease mechanism: loss of function.

Submission:

Brotman Baty Institute, University of Washington
No classification provided (evidence only). Condition: Breast-ovarian cancer, familial 1. Review status: no classification provided. Collection method: in vitro. Allele origin: not applicable. Functional consequence: functionally_normal.
ClinVar note: "not provided" was previously submitted as the classification for the variant. However, the classification appeared to be based only on an observation of functional data so it was converted to no classification on 2025-07-30.